The following is an entry in ClinVar:

ClinVar aggregate classification (germline): Uncertain significance (1 of 4 stars; one submission).

Conditions:
Familial thoracic aortic aneurysm and aortic dissection (TAAD). Also called: Thoracic aortic aneurysms and dissections. Identifiers: Orphanet 91387, MedGen C4707243, MONDO:0019625.

Submission:

Color Diagnostics, LLC DBA Color Health
Classification: Uncertain significance for Familial thoracic aortic aneurysm and aortic dissection. Last evaluated: 2025-05-20. Review status: criteria provided, single submitter. Criteria: ACMG Guidelines, 2015. Collection method: clinical testing. Allele origin: germline.
Comment: This missense variant replaces phenylalanine with leucine at codon 257 of the MYH11 protein. Computational prediction suggests that this variant may have deleterious impact on protein structure and function. To our knowledge, functional studies have not been reported for this variant. This variant has not been reported in individuals affected with MYH11-related disorders in the literature. This variant has not been identified in the general population by the Genome Aggregation Database (gnomAD). The available evidence is insufficient to determine the role of this variant in disease conclusively. Therefore, this variant is classified as a Variant of Uncertain Significance.

NM_002474.3(MYH11):c.750C>G (p.Phe250Leu)

Gene: MYH11 (myosin heavy chain 11; minus strand). Cytogenetic location: 16p13.11.
Variant type: single nucleotide variant.
Coding change: c.750C>G on transcript NM_002474.3 (MANE Select); coding-DNA position 750, C replaced by G.
Protein change: p.Phe250Leu; replaces phenylalanine 250 with leucine.
Molecular consequence: missense variant.
Genome position (GRCh38, 1-based): chr16:15,778,820, G>C on the plus strand (C>G on the coding strand, the complement: MYH11 is on the minus strand). VCF-style: chr16-15778820-G-C. GRCh37 (hg19) VCF-style: chr16-15872677-G-C.
Other names: c.771C>G, p.Phe257Leu (NM_001040113.2, NM_001040114.2); c.750C>G, p.Phe250Leu (NM_022844.3); short protein forms F250L, F257L.
Identifiers: ClinVar variation 4756706 (VCV004756706.1).
Genomic context (GRCh38, chr16:15,778,820, plus strand): 5'-CAGGCTCAGGGAAAGGATACAGGTCTCAATGTTGGCTCCCACGATGTAACCCGTGACGTC[G>C]AAGTTGATGCGGATGAATTTGCCCTGCCAACAGGAAAACACAGTTCAGGCTTTGCTGCCC-3'
Protein context (NP_002465.1, residues 240-260): SRFGKFIRIN[Phe250Leu]DVTGYIVGAN